The following is an entry in ClinVar:

NM_024009.3(GJB3):c.647G>A (p.Arg216Gln)

Gene: GJB3 (gap junction protein beta 3; plus strand). Cytogenetic location: 1p34.3.
Variant type: single nucleotide variant.
Coding change: c.647G>A on transcript NM_024009.3 (MANE Select); coding-DNA position 647, G replaced by A.
Protein change: p.Arg216Gln; replaces arginine 216 with glutamine.
Molecular consequence: missense variant.
Genome position (GRCh38, 1-based): chr1:34,785,409, G>A. VCF-style: chr1-34785409-G-A. GRCh37 (hg19) VCF-style: chr1-35251010-G-A.
Other names: c.647G>A, p.Arg216Gln (NM_001005752.2); short protein forms R216Q.
Identifiers: ClinVar variation 874892 (VCV000874892.7), dbSNP rs751280813, ClinGen allele CA754875.

ClinVar aggregate classification (germline): Conflicting classifications of pathogenicity. Review status: criteria provided, conflicting classifications (1 of 4 stars). 3 submissions from 3 submitters: Uncertain significance (1); Benign (1); Likely benign (1). Last evaluated 2022-04-14.

Conditions:
Inborn genetic diseases. Identifiers: MedGen C0950123, MeSH D030342.
Erythrokeratodermia variabilis et progressiva 1 (EKVP1). Also called: ERYTHROKERATODERMIA FIGURATA, CONGENITAL FAMILIAL, IN PLAQUES; ERYTHROKERATODERMIA VARIABILIS WITH ERYTHEMA GYRATUM REPENS; ERYTHROKERATODERMIA, PROGRESSIVE SYMMETRIC. Identifiers: Orphanet 317, MedGen C4551486, MONDO:0033010, OMIM 133200.

Allele frequency attached by ClinVar (database versions not stated): gnomAD exomes 0.00002 and 0.00003; ExAC 0.00004; gnomAD 0.00004; TOPMed 0.00006.
gnomAD v4.1: 36 of 1,614,006 alleles (0.0022%); highest among the groups gnomAD compares: African/African-American, 0.012%; no homozygotes.

Submissions (3):

GeneDx
Classification: Uncertain significance. Last evaluated: 2022-04-14. Review status: criteria provided, single submitter. Criteria: GeneDx Variant Classification Process June 2021. Collection method: clinical testing. Allele origin: germline. Affected: yes.
Comment: In silico analysis supports that this missense variant does not alter protein structure/function; Has not been previously published as pathogenic or benign to our knowledge

Ambry Genetics
Classification: Likely benign for Inborn genetic diseases. Last evaluated: 2022-04-12. Review status: criteria provided, single submitter. Criteria: Ambry Variant Classification Scheme 2023. Collection method: clinical testing. Allele origin: germline.

Illumina Laboratory Services, Illumina
Classification: Benign for Erythrokeratodermia variabilis et progressiva 1. Last evaluated: 2018-01-13. Review status: criteria provided, single submitter. Criteria: ICSL Variant Classification Criteria 13 December 2019. Collection method: clinical testing. Allele origin: germline.
Comment: This variant was observed in the ICSL laboratory as part of a predisposition screen in an ostensibly healthy population. It had not been previously curated by ICSL or reported in the Human Gene Mutation Database (HGMD: prior to June 1st, 2018), and was therefore a candidate for classification through an automated scoring system. Utilizing variant allele frequency, disease prevalence and penetrance estimates, and inheritance mode, an automated score was calculated to assess if this variant is too frequent to cause the disease. Based on the score and internal cut-off values, a variant classified as benign is not then subjected to further curation. The score for this variant resulted in a classification of benign for this disease.